The following is an entry in ClinVar:

ClinVar aggregate classification (germline): Uncertain significance. Review status: criteria provided, multiple submitters, no conflicts (2 of 4 stars). 2 submissions from 2 submitters: Uncertain significance (2). Last evaluated 2024-11-27.

Conditions:
Autosomal dominant nonsyndromic hearing loss 1. Also called: KONIGSMARK SYNDROME; DEAFNESS, AUTOSOMAL DOMINANT 1, WITH OR WITHOUT THROMBOCYTOPENIA. Identifiers: Orphanet 90635, MedGen C1852282, MONDO:0007424, OMIM 124900.
Progressive microcephaly-seizures-cortical blindness-developmental delay syndrome. Also called: Seizures, cortical blindness, and microcephaly syndrome. Identifiers: Orphanet 477814, MedGen C5567650, MONDO:0014714, OMIM 616632.

Submissions (2):

Labcorp Genetics (formerly Invitae), Labcorp
Classification: Uncertain significance for Progressive microcephaly-seizures-cortical blindness-developmental delay syndrome; Autosomal dominant nonsyndromic hearing loss 1. Last evaluated: 2024-11-27. Review status: criteria provided, single submitter. Criteria: Invitae Variant Classification Sherloc (09022015). Collection method: clinical testing. Allele origin: germline.
Comment: This variant, c.2003_2005del, results in the deletion of 1 amino acid(s) of the DIAPH1 protein (p.Ser668del), but otherwise preserves the integrity of the reading frame. This variant is not present in population databases (gnomAD no frequency). This variant has not been reported in the literature in individuals affected with DIAPH1-related conditions. ClinVar contains an entry for this variant (Variation ID: 1423802). Experimental studies and prediction algorithms are not available or were not evaluated, and the functional significance of this variant is currently unknown. In summary, the available evidence is currently insufficient to determine the role of this variant in disease. Therefore, it has been classified as a Variant of Uncertain Significance.

GeneDx
Classification: Uncertain significance. Last evaluated: 2022-12-23. Review status: criteria provided, single submitter. Criteria: GeneDx Variant Classification Process June 2021. Collection method: clinical testing. Allele origin: germline. Affected: yes.
Comment: Not observed at significant frequency in large population cohorts (gnomAD); In-frame deletion of one amino acid in a non-repeat region; In silico analysis supports that this variant does not alter protein structure/function; Has not been previously published as pathogenic or benign to our knowledge

NM_005219.5(DIAPH1):c.2000CTT[1] (p.Ser668del)

Gene: DIAPH1 (diaphanous related formin 1; minus strand). Cytogenetic location: 5q31.3.
Variant type: Microsatellite.
Coding change: c.2000CTT[1] on transcript NM_005219.5 (MANE Select); one copy of the 3-base unit CTT starting at c.2000; the reference has two copies in a row; one copy, 3 bases deleted; also written c.2003_2005del.
Protein change: p.Ser668del; deletes serine 668.
Molecular consequence: inframe deletion.
Genome position (GRCh38, 1-based): chr5:141,573,845-141,573,847, AAG deleted on the plus strand (CTT on the coding strand, the reverse complement: DIAPH1 is on the minus strand); deleting any 3 consecutive bases within chr5:141,573,845-141,573,851 gives the same sequence; the position shown is the placement nearest the transcript's 3' end. VCF-style (leftmost placement, unchanged base first): chr5-141573844-AAAG-A. GRCh37 (hg19) VCF-style: chr5-140953411-AAAG-A.
Other names: c.1973CTT[1], p.Ser659del (NM_001079812.3); c.2000CTT[1], p.Ser668del (NM_001314007.2); c.2003_2005del (NM_005219.4); short protein forms S668del, S659del.
Identifiers: ClinVar variation 1423802 (VCV001423802.8), dbSNP rs1323222030, ClinGen allele CA804796694.